The following is an entry in ClinVar:

NM_007118.4(TRIO):c.5306C>T (p.Pro1769Leu)

Gene: TRIO (trio Rho guanine nucleotide exchange factor; plus strand). Cytogenetic location: 5p15.2.
Variant type: single nucleotide variant.
Coding change: c.5306C>T on transcript NM_007118.4 (MANE Select); coding-DNA position 5306, C replaced by T.
Protein change: p.Pro1769Leu; replaces proline 1769 with leucine.
Molecular consequence: missense variant. On other transcripts: non-coding transcript variant (1).
Genome position (GRCh38, 1-based): chr5:14,461,121, C>T. VCF-style: chr5-14461121-C-T. GRCh37 (hg19) VCF-style: chr5-14461230-C-T.
Other names: short protein forms P1769L.
Identifiers: ClinVar variation 3767830 (VCV003767830.1).

ClinVar aggregate classification (germline): Uncertain significance (1 of 4 stars; one submission).

Submission:

GeneDx
Classification: Uncertain significance. Last evaluated: 2024-09-04. Review status: criteria provided, single submitter. Criteria: GeneDx Variant Classification Process June 2021. Collection method: clinical testing. Allele origin: germline. Affected: yes.
Comment: Not observed at significant frequency in large population cohorts (gnomAD); In silico analysis supports that this missense variant has a deleterious effect on protein structure/function; Has not been previously published as pathogenic or benign to our knowledge